The following is an entry in ClinVar:

ClinVar aggregate classification (germline): Likely benign. Review status: criteria provided, multiple submitters, no conflicts (2 of 4 stars). 2 submissions from 2 submitters: Likely benign (2). Last evaluated 2025-07-08.

Conditions:
VPS13B-related disorder. Also called: VPS13B-related condition.
Cohen syndrome (COH1). Also called: Cutis verticis gyrata, retinitis pigmentosa, and sensorineural deafness; PEPPER SYNDROME. Identifiers: Orphanet 193, MedGen C0265223, MONDO:0008999, OMIM 216550.

Submissions (2):

PreventionGenetics, part of Exact Sciences
Classification: Likely benign for VPS13B-related condition. Last evaluated: 2025-07-08. Review status: criteria provided, single submitter. Criteria: ACMG Guidelines, 2015. Collection method: clinical testing. Allele origin: germline.
Comment: This variant is classified as likely benign based on ACMG/AMP sequence variant interpretation guidelines (Richards et al. 2015 PMID: 25741868, with internal and published modifications).

Labcorp Genetics (formerly Invitae), Labcorp
Classification: Likely benign for Cohen syndrome. Last evaluated: 2021-10-05. Review status: criteria provided, single submitter. Criteria: Invitae Variant Classification Sherloc (09022015). Collection method: clinical testing. Allele origin: germline.

NM_152564.5(VPS13B):c.7429+7T>C

Gene: VPS13B (vacuolar protein sorting 13 homolog B; plus strand). Cytogenetic location: 8q22.2.
Variant type: single nucleotide variant.
Coding change: c.7429+7T>C on transcript NM_152564.5 (MANE Select); 7 bases into the intron after coding-DNA position 7429, T replaced by C.
Molecular consequence: intron variant.
Genome position (GRCh38, 1-based): chr8:99,776,963, T>C. VCF-style: chr8-99776963-T-C. GRCh37 (hg19) VCF-style: chr8-100789191-T-C.
Other names: c.7504+7T>C (NM_017890.5); c.7429+7T>C (NM_152564.4).
Identifiers: ClinVar variation 1545548 (VCV001545548.9), dbSNP rs2130668728, ClinGen allele CA2573143597.